The following is an entry in ClinVar:

NM_017617.5(NOTCH1):c.2689G>A (p.Ala897Thr)

Gene: NOTCH1 (notch receptor 1; minus strand). Cytogenetic location: 9q34.3.
Variant type: single nucleotide variant.
Coding change: c.2689G>A on transcript NM_017617.5 (MANE Select); coding-DNA position 2689, G replaced by A.
Protein change: p.Ala897Thr; replaces alanine 897 with threonine.
Molecular consequence: missense variant.
Genome position (GRCh38, 1-based): chr9:136,510,704, C>T on the plus strand (G>A on the coding strand, the complement: NOTCH1 is on the minus strand). VCF-style: chr9-136510704-C-T. GRCh37 (hg19) VCF-style: chr9-139405156-C-T.
Other names: short protein forms A897T.
Identifiers: ClinVar variation 1443649 (VCV001443649.8), dbSNP rs2133353126, ClinGen allele CA375554859.
Genomic context (GRCh38, chr9:136,510,704, plus strand): 5'-GCTACTCACTGGGCCGGCAGTCGTCGATGTCGGTCTCGCAGTTGCGCCCACTGTAGCCGG[C>T]CTGGCAGTGGCAGCGGTAGCCGCCGTGGGTGTTCTGGCAGGATGCGCCGTGCCGGCACGG-3'
Protein context (NP_060087.3, residues 887-907): THGGYRCHCQ[Ala897Thr]GYSGRNCETD

ClinVar aggregate classification (germline): Uncertain significance (1 of 4 stars; one submission).

Conditions:
Adams-Oliver syndrome 5 (AOS5). Identifiers: Orphanet 974, MedGen C4014970, MONDO:0014459, OMIM 616028.

Submission:

Labcorp Genetics (formerly Invitae), Labcorp
Classification: Uncertain significance for Adams-Oliver syndrome 5. Last evaluated: 2021-06-24. Review status: criteria provided, single submitter. Criteria: Invitae Variant Classification Sherloc (09022015). Collection method: clinical testing. Allele origin: germline.
Comment: In summary, the available evidence is currently insufficient to determine the role of this variant in disease. Therefore, it has been classified as a Variant of Uncertain Significance. This sequence change replaces alanine with threonine at codon 897 of the NOTCH1 protein (p.Ala897Thr). The alanine residue is moderately conserved and there is a small physicochemical difference between alanine and threonine. This variant is not present in population databases (ExAC no frequency). This variant has not been reported in the literature in individuals with NOTCH1-related conditions. Advanced modeling of protein sequence and biophysical properties (such as structural, functional, and spatial information, amino acid conservation, physicochemical variation, residue mobility, and thermodynamic stability) performed at Invitae indicates that this missense variant is not expected to disrupt NOTCH1 protein function.